The following is an entry in ClinVar:

ClinVar aggregate classification (germline): Benign/Likely benign. Review status: criteria provided, multiple submitters, no conflicts (2 of 4 stars). 4 submissions from 4 submitters: Benign (1); Likely benign (2). 1 of the submissions does not count toward it. Last evaluated 2026-01-12.

Conditions:
DOCK6-related disorder. Also called: DOCK6-related condition.

Allele frequency attached by ClinVar (database versions not stated): 1000 Genomes Project 0.00020; TOPMed 0.00091; 1000 Genomes Project 30x 0.00094; ESP Exome Variant Server 0.00105; gnomAD 0.00196 and 0.00201; gnomAD exomes 0.00197; ExAC 0.00270.
gnomAD v4.1: 2,818 of 1,611,502 alleles (0.17%); highest among the groups gnomAD compares: Non-Finnish European, 0.18%; 11 homozygotes.

Submissions (4):

Labcorp Genetics (formerly Invitae), Labcorp
Classification: Benign. Last evaluated: 2026-01-12. Review status: criteria provided, single submitter. Criteria: Invitae Variant Classification Sherloc (09022015). Collection method: clinical testing. Allele origin: germline.

CeGaT Center for Human Genetics Tuebingen
Classification: Likely benign. Last evaluated: 2025-12-01. Review status: criteria provided, single submitter. Criteria: CeGaT Center For Human Genetics Tuebingen Variant Classification Criteria Version 2. Collection method: clinical testing. Allele origin: germline. Affected: yes. Observed: 7 variant alleles.
Comment: DOCK6: BP4, BP7

Blueprint Genetics
Classification: Likely benign. Last evaluated: 2024-11-21. Review status: criteria provided, single submitter. Criteria: ACMG Guidelines, 2015. Collection method: clinical testing. Allele origin: germline.

PreventionGenetics, part of Exact Sciences
Classification: Likely benign for DOCK6-related condition. Last evaluated: 2021-03-26. Review status: no assertion criteria provided. Collection method: clinical testing. Allele origin: germline. Not counted in ClinVar's aggregate classification.
Comment: This variant is classified as likely benign based on ACMG/AMP sequence variant interpretation guidelines (Richards et al. 2015 PMID: 25741868, with internal and published modifications).

NM_020812.4(DOCK6):c.5976T>A (p.Ile1992=)

Gene: DOCK6 (dedicator of cytokinesis 6; minus strand). Cytogenetic location: 19p13.2.
Variant type: single nucleotide variant.
Coding change: c.5976T>A on transcript NM_020812.4 (MANE Select); coding-DNA position 5976, T replaced by A.
Protein change: p.Ile1992=; no amino-acid change (isoleucine 1992 retained).
Molecular consequence: synonymous variant.
Genome position (GRCh38, 1-based): chr19:11,200,433, A>T on the plus strand (T>A on the coding strand, the complement: DOCK6 is on the minus strand). VCF-style: chr19-11200433-A-T. GRCh37 (hg19) VCF-style: chr19-11311109-A-T.
Other names: c.6081T>A, p.Ile2027= (NM_001367830.1).
Identifiers: ClinVar variation 787602 (VCV000787602.34), dbSNP rs200181665, ClinGen allele CA9206261.
Genomic context (GRCh38, chr19:11,200,433, plus strand): 5'-CTCCCGCAGGCGGCAGTAGTTGCGCTCCAGCTCACGGTGGTACTCCTTCTGGTCCGGCCC[A>T]ATCAGGGCCTTATTTTTCCGCAGCGCATCCTCACATCTGAGGGCCAGAGGGTGGGAGATG-3'
Protein context (NP_065863.2, residues 1982-2002): EDALRKNKAL[Ile1992=]GPDQKEYHRE